The following is an entry in ClinVar:

ClinVar aggregate classification (germline): Uncertain significance. Review status: criteria provided, multiple submitters, no conflicts (2 of 4 stars). 2 submissions from 2 submitters: Uncertain significance (2). Last evaluated 2025-01-23.

Conditions:
LAMA2-related muscular dystrophy (LAMA2-RD). Also called: Laminin alpha 2-related dystrophy. Identifiers: MedGen C5679788, MONDO:0100228.

Allele frequency attached by ClinVar (database versions not stated): gnomAD exomes below 0.00001; TOPMed below 0.00001; ExAC 0.00001.
gnomAD v4.1: 2 of 1,613,666 alleles (0.00012%); highest among the groups gnomAD compares: Non-Finnish European, 0.00017%; no homozygotes.

Submissions (2):

Labcorp Genetics (formerly Invitae), Labcorp
Classification: Uncertain significance for LAMA2-related muscular dystrophy. Last evaluated: 2025-01-23. Review status: criteria provided, single submitter. Criteria: Invitae Variant Classification Sherloc (09022015). Collection method: clinical testing. Allele origin: germline.
Comment: This sequence change replaces serine, which is neutral and polar, with arginine, which is basic and polar, at codon 498 of the LAMA2 protein (p.Ser498Arg). This variant is present in population databases (rs763484341, gnomAD 0.0009%). This variant has not been reported in the literature in individuals affected with LAMA2-related conditions. ClinVar contains an entry for this variant (Variation ID: 642364). Invitae Evidence Modeling of protein sequence and biophysical properties (such as structural, functional, and spatial information, amino acid conservation, physicochemical variation, residue mobility, and thermodynamic stability) indicates that this missense variant is not expected to disrupt LAMA2 protein function with a negative predictive value of 95%. In summary, the available evidence is currently insufficient to determine the role of this variant in disease. Therefore, it has been classified as a Variant of Uncertain Significance.

Revvity Omics, Revvity
Classification: Uncertain significance. Last evaluated: 2020-08-11. Review status: criteria provided, single submitter. Criteria: ACMG Guidelines, 2015. Collection method: clinical testing. Allele origin: germline.

NM_000426.4(LAMA2):c.1494T>A (p.Ser498Arg)

Gene: LAMA2 (laminin subunit alpha 2; plus strand). Cytogenetic location: 6q22.33.
Variant type: single nucleotide variant.
Coding change: c.1494T>A on transcript NM_000426.4 (MANE Select); coding-DNA position 1494, T replaced by A.
Protein change: p.Ser498Arg; replaces serine 498 with arginine.
Molecular consequence: missense variant.
Genome position (GRCh38, 1-based): chr6:129,190,231, T>A. VCF-style: chr6-129190231-T-A. GRCh37 (hg19) VCF-style: chr6-129511376-T-A.
Other names: c.1494T>A, p.Ser498Arg (NM_001079823.2); short protein forms S498R.
Identifiers: ClinVar variation 642364 (VCV000642364.12), dbSNP rs763484341, ClinGen allele CA3992635.
Genomic context (GRCh38, chr6:129,190,231, plus strand): 5'-TACCTCTGTTGCTGATACATCTCTTTATTTGCAGGAAAATGTTGAAGGAGGAGACTGTAG[T>A]CGTTGCAAATCCGGCTTCTTCAATTTGCAAGAGGATAATTGGAAAGGCTGCGATGAGTGT-3'
Protein context (NP_000417.3, residues 488-508): CKENVEGGDC[Ser498Arg]RCKSGFFNLQ